The following is an entry in ClinVar:

NM_024426.6(WT1):c.151del (p.Ala51fs)

Genes: WT1 (WT1 transcription factor; minus strand), LOC107982234 (WT1/WT1-AS bi-directional promoter region; plus strand). Cytogenetic location: 11p13.
Variant type: Deletion.
Coding change: c.151del on transcript NM_024426.6 (MANE Select); coding-DNA position 151, one base deleted (G; older notation c.151delG).
Protein change: p.Ala51fs; shifts the reading frame from alanine 51.
Molecular consequence: frameshift variant. On other transcripts: non-coding transcript variant (1).
Genome position (GRCh38, 1-based): chr11:32,435,210, C deleted on the plus strand (G on the coding strand, the reverse complement: WT1 is on the minus strand). VCF-style (leftmost placement, unchanged base first): chr11-32435209-GC-G. GRCh37 (hg19) VCF-style: chr11-32456755-GC-G.
Other names: c.151del, p.Ala51fs (NM_000378.6, NM_024424.5); short protein forms A51fs.
Identifiers: ClinVar variation 265295 (VCV000265295.21), dbSNP rs776155094, ClinGen allele CA064521.

ClinVar aggregate classification (germline): Conflicting classifications of pathogenicity. Review status: criteria provided, conflicting classifications (1 of 4 stars). 7 submissions from 7 submitters: Likely pathogenic (1); Uncertain significance (5). 1 of the submissions does not count toward it. Last evaluated 2025-06-20.

Conditions:
WT1-related disorder. Also called: WT1-related disorders. Identifiers: MedGen CN377814.
Inborn genetic diseases. Identifiers: MedGen C0950123, MeSH D030342.
Drash syndrome (DDS). Also called: NEPHROPATHY, WILMS TUMOR, AND GENITAL ANOMALIES; WILMS TUMOR AND PSEUDO- OR TRUE HERMAPHRODITISM. Identifiers: Orphanet 220, MedGen C0950121, MONDO:0008682, OMIM 194080.
Frasier syndrome. Identifiers: Orphanet 347, MedGen C0950122, MeSH D052159, MONDO:0007635, OMIM 136680.
Wilms tumor 1 (WT1). Also called: Wilms tumor, somatic. Identifiers: Orphanet 654, MedGen CN033288, MONDO:0008679, OMIM 194070.
11p partial monosomy syndrome (WAGR). Also called: WAGR Complex; WAGR Spectrum Disorder; WAGR syndrome; CHROMOSOME 11p13 DELETION SYNDROME. Identifiers: Orphanet 893, MedGen C0206115, MONDO:0008681, OMIM 194072.
Meacham syndrome. Also called: Meacham Winn Culler syndrome. Identifiers: Orphanet 3097, MedGen C1837026, MONDO:0012164, OMIM 608978.
Mesothelioma, malignant (MESOM). Also called: Malignant mesothelioma (disease). Identifiers: Orphanet 50251, MedGen C0345967, MONDO:0006292, OMIM 156240, HP:0100001.
Nephrotic syndrome, type 4 (NPHS4). Also called: Familial mesangial sclerosis; Nephrotic syndrome, early onset with diffuse mesangial sclerosis. Identifiers: Orphanet 656, MedGen C3151568, MONDO:0009733, OMIM 256370.
Precursor B-cell acute lymphoblastic leukemia. Also called: B Acute Lymphoblastic Leukemia; Pre-B-cell acute lymphoblastic leukemia. Identifiers: Orphanet 99860, MedGen C0349636, MONDO:0020511, HP:0004812.

Allele frequency attached by ClinVar (database versions not stated): ExAC below 0.00001; gnomAD exomes 0.00001; gnomAD 0.00002 and 0.00003; TOPMed 0.00003.

Submissions (7):

Labcorp Genetics (formerly Invitae), Labcorp
Classification: Uncertain significance for Wilms tumor 1; Drash syndrome; 11p partial monosomy syndrome; Frasier syndrome. Last evaluated: 2025-06-20. Review status: criteria provided, single submitter. Criteria: Invitae Variant Classification Sherloc (09022015). Collection method: clinical testing. Allele origin: germline.
Comment: This sequence change creates a premature translational stop signal (p.Ala46Profs*31) in the WT1 gene. It is unclear whether it will result in an absent or disrupted protein product because a major initiation site located at codon 69 has the potential to rescue this variant. This variant is present in population databases (rs776155094, gnomAD 0.002%). This premature translational stop signal has been observed in individual(s) with anaplastic astrocytoma (PMID: 31970404). ClinVar contains an entry for this variant (Variation ID: 265295). Downstream of the non-canonical translation start site (CTG) at codon 1, the nearest methionine codon that can be used to initiate translation of the WT1 protein lies at codon 69. This downstream in-frame ATG is known as a major initiation site (PMID: 28811308, 16987884, 8621495). The functional significance of the different WT1 protein isoforms is unknown (PMID: 8621495), however mice lacking the N-terminal 68 amino acids develop normally and are fertile (PMID: 12640141). Based on these results, the impact of this variant on WT1 protein function is uncertain. In summary, the available evidence is currently insufficient to determine the role of this variant in disease. Therefore, it has been classified as a Variant of Uncertain Significance.

Ambry Genetics
Classification: Uncertain significance for Inborn genetic diseases. Last evaluated: 2025-02-20. Review status: criteria provided, single submitter. Criteria: Ambry Variant Classification Scheme 2023. Collection method: clinical testing. Allele origin: germline.
Comment: The c.136delG variant, located in coding exon 1 of the WT1 gene, results from a deletion of one nucleotide at nucleotide position 136, causing a translational frameshift with a predicted alternate stop codon (p.A46Pfs*31). The predicted stop codon occurs in the 5&rsquo; end of theWT1 gene. Premature termination codons in the 5&rsquo; end of a gene have been reported to escape nonsense-mediated mRNAdecay and/or lead to re-initiation (Rivas et al. Science. 2015 May 8;348(6235):666-9; Lindeboom et al. Nat Genet. 2016 Oct;48(10):1112-8; Rhee et al. Sci Rep. 2017 May 10;7(1):1653). The exact functional effect of this alteration is unknown. Since supporting evidence is limited at this time, the clinical significance of this alteration remains unclear.

Fulgent Genetics
Classification: Uncertain significance for Frasier syndrome; Mesothelioma, malignant; Wilms tumor 1; Drash syndrome; Nephrotic syndrome, type 4; Meacham syndrome. Last evaluated: 2024-05-28. Review status: criteria provided, single submitter. Criteria: ACMG Guidelines, 2015. Collection method: clinical testing. Allele origin: germline.

Baylor Genetics
Classification: Uncertain significance for Drash syndrome. Last evaluated: 2023-09-03. Review status: criteria provided, single submitter. Criteria: ACMG Guidelines, 2015. Collection method: clinical testing. Allele origin: unknown.

GeneDx
Classification: Uncertain significance. Last evaluated: 2023-06-23. Review status: criteria provided, single submitter. Criteria: GeneDx Variant Classification Process June 2021. Collection method: clinical testing. Allele origin: germline. Affected: yes.
Comment: Nonsense variant predicted to result in protein truncation; however a downstream in-frame ATG could serve as an alternate initiator codon which may result in a smaller, yet still functional, protein (Bruenig et al., 1996; Scharnhorst et al., 1999; Yang et al., 2007).; Not observed at significant frequency in large population cohorts (gnomAD); Observed in individuals with pancreatic cancer and pediatric glioma (Skaro et al., 2019; Muskens et al., 2020); Also known as c.151del/p.(A51Pfs*31); This variant is associated with the following publications: (PMID: 26633542, 30665703, 31970404, 30716324, 8621495, 10438524, 17361230)

St. Jude Molecular Pathology, St. Jude Children's Research Hospital
Classification: Likely pathogenic for Pre-B-cell acute lymphoblastic leukemia. Last evaluated: 2016-03-16. Review status: criteria provided, single submitter. Criteria: ACMG Guidelines, 2015. Collection method: clinical testing. Allele origin: germline. Affected: yes.
Comment: This is a frameshift variant, in which a G is deleted at coding position 136 and is predicted to change an Alanine to a Proline and shift the reading frame.

PreventionGenetics, part of Exact Sciences
Classification: Uncertain significance for WT1-related condition. Last evaluated: 2024-02-29. Review status: no assertion criteria provided. Collection method: clinical testing. Allele origin: germline. Not counted in ClinVar's aggregate classification.
Comment: The WT1 c.136delG variant is predicted to result in a frameshift and premature protein termination (p.Ala46Profs*31). This variant has been reported in an individual with anaplastic astrocytoma (Muskens et al. 2020. PubMed ID: 31970404) and another individual with intraductal papillary mucinous neoplasms (IPMNs) at risk for developing pancreatic cancer (Skaro et al. 2019. PubMed ID: 30716324), but it has not been reported in patients with established WT-related disorders. This variant would typically be expected to cause a frameshift leading to premature termination; however there is a downstream, in-frame methionine residue (p.Met69) that has been shown to act as an alternate initiation site and potentially rescue WT1 translation (Bruening and Pelletier. 1996. PubMed ID: 8621495; Scharnhorst et al. 1999. PubMed ID: 10438524). Furthermore, significant N-terminal variation has been observed in functional WT1 isoforms (same studies), and a mouse model lacking the 68 N-terminal amino acids developed normally and remained capable of reproduction (Miles et al. 2003. PubMed ID: 12640141). This variant is reported in 0.0020% of alleles in individuals of European (Non-Finnish) descent in gnomAD. This variant is interpreted as a variant of uncertain significance by most submitters in ClinVar. Taken together, the clinical significance of this variant is uncertain at this time due to the absence of conclusive functional and genetic evidence.

Literature cited by the submitters: PubMed 31970404 (cited by Labcorp Genetics (formerly Invitae), Labcorp); PubMed 28811308 (cited by Labcorp Genetics (formerly Invitae), Labcorp); PubMed 16987884 (cited by Labcorp Genetics (formerly Invitae), Labcorp); PubMed 8621495 (cited by Labcorp Genetics (formerly Invitae), Labcorp); PubMed 12640141 (cited by Labcorp Genetics (formerly Invitae), Labcorp).